The following is an entry in ClinVar:

NM_004725.4(BUB3):c.194A>C (p.Tyr65Ser)

Gene: BUB3 (BUB3 mitotic checkpoint protein; plus strand). Cytogenetic location: 10q26.13.
Variant type: single nucleotide variant.
Coding change: c.194A>C on transcript NM_004725.4 (MANE Select); coding-DNA position 194, A replaced by C.
Protein change: p.Tyr65Ser; replaces tyrosine 65 with serine.
Molecular consequence: missense variant.
Genome position (GRCh38, 1-based): chr10:123,155,111, A>C. VCF-style: chr10-123155111-A-C. GRCh37 (hg19) VCF-style: chr10-124914627-A-C.
Other names: c.194A>C, p.Tyr65Ser (NM_001007793.3); short protein forms Y65S.
Identifiers: ClinVar variation 1783178 (VCV001783178.2), dbSNP rs771455036, ClinGen allele CA378625135.
Genomic context (GRCh38, chr10:123,155,111, plus strand): 5'-CGGCCAACTCCATGCGGCTCAAGTACCAGCACACCGGCGCCGTCCTGGACTGCGCCTTCT[A>C]CGTAGGTGCCCTCCCGCCCTGCTCCTGCCCTCTTACTGTGTTAACGATTCTCCACGTGAG-3'
Protein context (NP_004716.1, residues 55-75): HTGAVLDCAF[Tyr65Ser]DPTHAWSGGL

ClinVar aggregate classification (germline): Uncertain significance (1 of 4 stars; one submission).

Submission:

Ambry Genetics
Classification: Uncertain significance. Last evaluated: 2022-01-21. Review status: criteria provided, single submitter. Criteria: Ambry Variant Classification Scheme 2023. Collection method: clinical testing. Allele origin: germline.
Comment: The p.Y65S variant (also known as c.194A>C), located in coding exon 1 of the BUB3 gene, results from an A to C substitution at nucleotide position 194. The tyrosine at codon 65 is replaced by serine, an amino acid with dissimilar properties. This amino acid position is conserved. In addition, this alteration is predicted to be tolerated by in silico analysis. Since supporting evidence is limited at this time, the clinical significance of this alteration remains unclear.